The following is an entry in ClinVar:

ClinVar aggregate classification (germline): Likely benign (0 of 4 stars; one submission).

Conditions:
PFKP-related disorder. Also called: PFKP-related condition.

Allele frequency attached by ClinVar (database versions not stated): gnomAD 0.00042; ExAC 0.00052; TOPMed 0.00056; gnomAD exomes 0.00091; ESP Exome Variant Server 0.00131.
gnomAD v4.1: 1,366 of 1,585,054 alleles (0.086%); highest among the groups gnomAD compares: Non-Finnish European, 0.11%; 2 homozygotes.

Submission:

PreventionGenetics, part of Exact Sciences
Classification: Likely benign for PFKP-related condition. Last evaluated: 2020-10-20. Review status: no assertion criteria provided. Collection method: clinical testing. Allele origin: germline.
Comment: This variant is classified as likely benign based on ACMG/AMP sequence variant interpretation guidelines (Richards et al. 2015 PMID: 25741868, with internal and published modifications).

NM_002627.5(PFKP):c.2122+9T>A

Gene: PFKP (phosphofructokinase, platelet; plus strand). Cytogenetic location: 10p15.2.
Variant type: single nucleotide variant.
Coding change: c.2122+9T>A on transcript NM_002627.5 (MANE Select); 9 bases into the intron after coding-DNA position 2122, T replaced by A.
Molecular consequence: intron variant.
Genome position (GRCh38, 1-based): chr10:3,134,591, T>A. VCF-style: chr10-3134591-T-A. GRCh37 (hg19) VCF-style: chr10-3176783-T-A.
Other names: c.2008+9T>A (NM_001323071.2, NM_001323072.2, NM_001345944.1); c.2275+9T>A (NM_001410880.1); c.1969+9T>A (NM_001323068.2); c.1615+9T>A (NM_001323069.2); c.2041+9T>A (NM_001323067.2); c.2098+9T>A (NM_001242339.2); c.1474+9T>A (NM_001323074.1, NM_001323073.1); c.1321+9T>A (NM_001323070.1).
Identifiers: ClinVar variation 3040431 (VCV003040431.2), dbSNP rs200195369, ClinGen allele CA5386733.